The following is an entry in ClinVar:

NM_000540.3(RYR1):c.12360A>G (p.Glu4120=)

Gene: RYR1 (ryanodine receptor 1; plus strand). Cytogenetic location: 19q13.2.
Variant type: single nucleotide variant.
Coding change: c.12360A>G on transcript NM_000540.3 (MANE Select); coding-DNA position 12360, A replaced by G.
Protein change: p.Glu4120=; no amino-acid change (glutamic acid 4120 retained).
Molecular consequence: synonymous variant.
Genome position (GRCh38, 1-based): chr19:38,561,190, A>G. VCF-style: chr19-38561190-A-G. GRCh37 (hg19) VCF-style: chr19-39051830-A-G.
Other names: c.12345A>G, p.Glu4115= (NM_001042723.2).
Identifiers: ClinVar variation 544512 (VCV000544512.10), dbSNP rs758071179, ClinGen allele CA058766.
Genomic context (GRCh38, chr19:38,561,190, plus strand): 5'-GCAGTTCAGCGGTCCAGAAATCCAGTTCCTGCTTTCGTGCTCCGAAGCGGATGAGAACGA[A>G]ATGATCAACTGCGAAGAGTTCGCCAACCGCTTCCAGGAGCCAGCACGCGACATCGGCTTC-3'
Protein context (NP_000531.2, residues 4110-4130): LLSCSEADEN[Glu4120=]MINCEEFANR

ClinVar aggregate classification (germline): Likely benign. Review status: criteria provided, multiple submitters, no conflicts (2 of 4 stars). 2 submissions from 2 submitters: Likely benign (2). Last evaluated 2025-03-25.

Conditions:
Malignant hyperthermia, susceptibility to, 1 (MHS1). Also called: RYR1-Related Malignant Hyperthermia Susceptibility; Anesthesia related hyperthermia; Malignant hyperpyrexia; Fulminating hyperpyrexia; Pharmacogenic myopathy; Malignant hyperthermia suceptibility 1. Identifiers: Orphanet 423, MedGen C2930980, MONDO:0007783, OMIM 145600.
RYR1-related disorder. Also called: RYR1-related condition; RYR1-related disorders. Identifiers: MedGen CN239331.

Allele frequency attached by ClinVar (database versions not stated): gnomAD exomes below 0.00001; ExAC 0.00001; TOPMed 0.00006; gnomAD 0.00007.
gnomAD v4.1: 14 of 1,614,066 alleles (0.00087%); highest among the groups gnomAD compares: African/African-American, 0.017%; no homozygotes.

Submissions (2):

Labcorp Genetics (formerly Invitae), Labcorp
Classification: Likely benign for RYR1-related disorder. Last evaluated: 2025-03-25. Review status: criteria provided, single submitter. Criteria: Invitae Variant Classification Sherloc (09022015). Collection method: clinical testing. Allele origin: germline.

All of Us Research Program, National Institutes of Health
Classification: Likely benign for Malignant hyperthermia, susceptibility to, 1. Last evaluated: 2024-05-14. Review status: criteria provided, single submitter. Criteria: ACMG Guidelines, 2015. Collection method: clinical testing. Allele origin: germline. Inheritance: Autosomal dominant inheritance. Observed: 4 variant alleles, 4 heterozygotes.
Comment: This study involves interpretation of variants in research participants for the purpose of population health screening. Participant phenotype was not available at the time of variant classification. Additional details can be found in publication PMID: 35346344, PMCID: PMC8962531